The following is an entry in ClinVar:

NM_000235.4(LIPA):c.257A>T (p.His86Leu)

Gene: LIPA (lipase A, lysosomal acid type; minus strand). Cytogenetic location: 10q23.31.
Variant type: single nucleotide variant.
Coding change: c.257A>T on transcript NM_000235.4 (MANE Select); coding-DNA position 257, A replaced by T.
Protein change: p.His86Leu; replaces histidine 86 with leucine.
Molecular consequence: missense variant. On other transcripts: 5 prime UTR variant (1).
Genome position (GRCh38, 1-based): chr10:89,228,371, T>A on the plus strand (A>T on the coding strand, the complement: LIPA is on the minus strand). VCF-style: chr10-89228371-T-A. GRCh37 (hg19) VCF-style: chr10-90988128-T-A.
Other names: c.257A>T, p.His86Leu (NM_001127605.3); c.-92A>T (NM_001288979.2); short protein forms H86L.
Identifiers: ClinVar variation 3345972 (VCV003345972.2).

ClinVar aggregate classification (germline): Uncertain significance. Review status: criteria provided, single submitter (1 of 4 stars). 2 submissions from 2 submitters: Uncertain significance (1). 1 of the submissions does not count toward it. Last evaluated 2025-11-24.

Conditions:
Wolman disease (WOLD). Also called: Acid cholesteryl ester hydrolase deficiency, Wolman type; Acid lipase disease; Wolman disease with hypolipoproteinemia and acanthocytosis; Wolman disease, CESD; LYSOSOMAL ACID LIPASE DEFICIENCY, ACUTE INFANTILE; LYSOSOMAL ACID LIPASE DEFICIENCY, COMPLETE. Identifiers: Orphanet 75233, MedGen C0043208, MONDO:0019148, OMIM 620151.
LIPA-related disorder. Also called: LIPA-related condition; LIPA-related disorders.

Submissions (2):

Labcorp Genetics (formerly Invitae), Labcorp
Classification: Uncertain significance for Wolman disease. Last evaluated: 2025-11-24. Review status: criteria provided, single submitter. Criteria: Invitae Variant Classification Sherloc (09022015). Collection method: clinical testing. Allele origin: germline.
Comment: This sequence change replaces histidine, which is basic and polar, with leucine, which is neutral and non-polar, at codon 86 of the LIPA protein (p.His86Leu). This variant is not present in population databases (gnomAD no frequency). This variant has not been reported in the literature in individuals affected with LIPA-related conditions. ClinVar contains an entry for this variant (Variation ID: 3345972). Invitae Evidence Modeling of protein sequence and biophysical properties (such as structural, functional, and spatial information, amino acid conservation, physicochemical variation, residue mobility, and thermodynamic stability) indicates that this missense variant is expected to disrupt LIPA protein function with a positive predictive value of 95%. In summary, the available evidence is currently insufficient to determine the role of this variant in disease. Therefore, it has been classified as a Variant of Uncertain Significance.

PreventionGenetics, part of Exact Sciences
Classification: Uncertain significance for LIPA-related condition. Last evaluated: 2024-04-26. Review status: no assertion criteria provided. Collection method: clinical testing. Allele origin: germline. Not counted in ClinVar's aggregate classification.
Comment: The LIPA c.257A>T variant is predicted to result in the amino acid substitution p.His86Leu. To our knowledge, this variant has not been reported in the literature or in a large population database, indicating this variant is rare. The p.His86 residue is highly conserved. Of note, different substitutions at the same and other flanking highly conserved codons have been reported in individuals with LIPA-related disorders (p.His86Tyr in Ruiz-Andrés et al. 2017. PubMed ID: 28220406; p.Gln85Arg, p.Gln85Lys, and p.Gly87Val in Vinje et al. 2019. PubMed ID: 31131398 and Vinje et al. 2018. PubMed ID: 29196158 for example). Although we suspect that the c.257A>T (p.His86Leu) variant is pathogenic, at this time, the clinical significance of this variant is uncertain due to the absence of conclusive functional and genetic evidence.